The following is an entry in ClinVar:

NM_021008.4(DEAF1):c.63C>G (p.Ala21=)

Gene: DEAF1 (DEAF1 transcription factor; minus strand). Cytogenetic location: 11p15.5.
Variant type: single nucleotide variant.
Coding change: c.63C>G on transcript NM_021008.4 (MANE Select); coding-DNA position 63, C replaced by G.
Protein change: p.Ala21=; no amino-acid change (alanine 21 retained).
Molecular consequence: synonymous variant. On other transcripts: intron variant (1).
Genome position (GRCh38, 1-based): chr11:694,985, G>C on the plus strand (C>G on the coding strand, the complement: DEAF1 is on the minus strand). VCF-style: chr11-694985-G-C. GRCh37 (hg19) VCF-style: chr11-694985-G-C.
Other names: c.63C>G, p.Ala21= (NM_001293634.2); c.-437-3387C>G (NM_001367390.1).
Identifiers: ClinVar variation 3389494 (VCV003389494.15).

ClinVar aggregate classification (germline): Likely benign. Review status: criteria provided, multiple submitters, no conflicts (2 of 4 stars). 2 submissions from 2 submitters: Likely benign (2). Last evaluated 2025-02-17.

gnomAD v4.1: 1 of 1,144,994 alleles (0.000087%); highest among the groups gnomAD compares: South Asian, 0.0032%; no homozygotes.

Submissions (2):

Labcorp Genetics (formerly Invitae), Labcorp
Classification: Likely benign. Last evaluated: 2025-02-17. Review status: criteria provided, single submitter. Criteria: Invitae Variant Classification Sherloc (09022015). Collection method: clinical testing. Allele origin: germline.

CeGaT Center for Human Genetics Tuebingen
Classification: Likely benign. Last evaluated: 2024-11-01. Review status: criteria provided, single submitter. Criteria: CeGaT Center For Human Genetics Tuebingen Variant Classification Criteria Version 2. Collection method: clinical testing. Allele origin: germline. Affected: yes. Observed: 1 variant allele.
Comment: DEAF1: BP4, BP7